The following is an entry in ClinVar:

ClinVar aggregate classification (germline): Likely benign. Review status: criteria provided, multiple submitters, no conflicts (2 of 4 stars). 4 submissions from 4 submitters: Likely benign (4). Last evaluated 2025-12-19.

Conditions:
Familial thoracic aortic aneurysm and aortic dissection (TAAD). Also called: Thoracic aortic aneurysms and dissections. Identifiers: Orphanet 91387, MedGen C4707243, MONDO:0019625.
Aortic aneurysm, familial thoracic 7 (AAT7). Also called: AORTIC DISSECTION, FAMILIAL, WITH OR WITHOUT AORTIC ANEURYSM. Identifiers: MedGen C3151077, MONDO:0013418, OMIM 613780.

Allele frequency attached by ClinVar (database versions not stated): gnomAD exomes 0.00004 and 0.00006; TOPMed 0.00005; gnomAD 0.00006 and 0.00007; ExAC 0.00007; ESP Exome Variant Server 0.00008.
gnomAD v4.1: 71 of 1,613,798 alleles (0.0044%); highest among the groups gnomAD compares: South Asian, 0.038%; 1 homozygote.

Submissions (4):

Labcorp Genetics (formerly Invitae), Labcorp
Classification: Likely benign for Aortic aneurysm, familial thoracic 7. Last evaluated: 2025-12-19. Review status: criteria provided, single submitter. Criteria: Invitae Variant Classification Sherloc (09022015). Collection method: clinical testing. Allele origin: germline.

CeGaT Center for Human Genetics Tuebingen
Classification: Likely benign. Last evaluated: 2022-11-01. Review status: criteria provided, single submitter. Criteria: CeGaT Center For Human Genetics Tuebingen Variant Classification Criteria Version 2. Collection method: clinical testing. Allele origin: germline. Affected: yes. Observed: 1 variant allele.
Comment: MYLK: BP4, BP7

Ambry Genetics
Classification: Likely benign for Familial thoracic aortic aneurysm and aortic dissection. Last evaluated: 2021-10-05. Review status: criteria provided, single submitter. Criteria: Ambry Variant Classification Scheme 2023. Collection method: clinical testing. Allele origin: germline.

GeneDx
Classification: Likely benign. Last evaluated: 2017-11-06. Review status: criteria provided, single submitter. Criteria: GeneDx Variant Classification (06012015). Collection method: clinical testing. Allele origin: germline. Affected: yes.
Comment: This variant is considered likely benign or benign based on one or more of the following criteria: it is a conservative change, it occurs at a poorly conserved position in the protein, it is predicted to be benign by multiple in silico algorithms, and/or has population frequency not consistent with disease.

NM_053025.4(MYLK):c.3537G>A (p.Ala1179=)

Gene: MYLK (myosin light chain kinase; minus strand). Cytogenetic location: 3q21.1.
Variant type: single nucleotide variant.
Coding change: c.3537G>A on transcript NM_053025.4 (MANE Select); coding-DNA position 3537, G replaced by A.
Protein change: p.Ala1179=; no amino-acid change (alanine 1179 retained).
Molecular consequence: synonymous variant.
Genome position (GRCh38, 1-based): chr3:123,692,763, C>T on the plus strand (G>A on the coding strand, the complement: MYLK is on the minus strand). VCF-style: chr3-123692763-C-T. GRCh37 (hg19) VCF-style: chr3-123411610-C-T.
Other names: c.3009G>A, p.Ala1003= (NM_001321309.2); c.3330G>A, p.Ala1110= (NM_053026.4, NM_053028.4); c.3537G>A, p.Ala1179= (NM_053027.4).
Identifiers: ClinVar variation 513126 (VCV000513126.34), dbSNP rs375256466, ClinGen allele CA069764.